The following is an entry in ClinVar:

NM_001040142.2(SCN2A):c.2642T>A (p.Leu881Gln)

Gene: SCN2A (sodium voltage-gated channel alpha subunit 2; plus strand). Cytogenetic location: 2q24.3.
Variant type: single nucleotide variant.
Coding change: c.2642T>A on transcript NM_001040142.2 (MANE Select); coding-DNA position 2642, T replaced by A.
Protein change: p.Leu881Gln; replaces leucine 881 with glutamine.
Molecular consequence: missense variant.
Genome position (GRCh38, 1-based): chr2:165,344,634, T>A. VCF-style: chr2-165344634-T-A. GRCh37 (hg19) VCF-style: chr2-166201144-T-A.
Other names: p.L881Q:CTA>CAA; c.2642T>A, p.Leu881Gln (NM_001040143.2, NM_001371246.1, NM_001371247.1 and 1 more transcripts); short protein forms L881Q.
Identifiers: ClinVar variation 206970 (VCV000206970.2), dbSNP rs796053116, ClinGen allele CA317880.

ClinVar aggregate classification (germline): Likely pathogenic (1 of 4 stars; one submission).

Submission:

GeneDx
Classification: Likely pathogenic. Last evaluated: 2016-12-20. Review status: criteria provided, single submitter. Criteria: GeneDx Variant Classification (06012015). Collection method: clinical testing. Allele origin: germline. Affected: yes.
Comment: The Leu881Gln missense change has not been published as a mutation, nor has it been reported as a benign polymorphism to our knowledge. It was not observed in approximately 6,500 individuals of European and African American ancestry in the NHLBI Exome Sequencing Project, indicating it is not a common benign variant in these populations. This variant is a non-conservative amino acid substitution of a non-polar Leucine residue with a polar Glutamine residue. Leu881Gln alters a conserved position in the intracellular loop between the S4 and S5 segments in the second transmembrane domain of the protein and in silico analysis predicts this variant is probably damaging to the protein structure/function. However, other missense mutations have not been reported in this region of the protein. This variant has been observed de novo without verified parentage. The variant is found in INFANT-EPI panel(s).